The following is an entry in ClinVar:

NM_001267550.2(TTN):c.14209G>T (p.Gly4737Cys)

Gene: TTN (titin; minus strand). Cytogenetic location: 2q31.2.
Variant type: single nucleotide variant.
Coding change: c.14209G>T on transcript NM_001267550.2 (MANE Select); coding-DNA position 14209, G replaced by T.
Protein change: p.Gly4737Cys; replaces glycine 4737 with cysteine.
Molecular consequence: missense variant.
Genome position (GRCh38, 1-based): chr2:178,738,244, C>A on the plus strand (G>T on the coding strand, the complement: TTN is on the minus strand). VCF-style: chr2-178738244-C-A. GRCh37 (hg19) VCF-style: chr2-179602971-C-A.
Other names: c.13258G>T, p.Gly4420Cys (NM_001256850.1); c.13120G>T, p.Gly4374Cys (NM_003319.4); c.10477G>T, p.Gly3493Cys (NM_133378.4); c.13495G>T, p.Gly4499Cys (NM_133432.3); c.13696G>T, p.Gly4566Cys (NM_133437.4); short protein forms G4374C, G4566C, G3493C, G4420C, G4737C, G4499C.
Identifiers: ClinVar variation 1769688 (VCV001769688.2), dbSNP rs2530534597, ClinGen allele CA349602595.
Genomic context (GRCh38, chr2:178,738,244, plus strand): 5'-GGCTGGAGATATACTTTGAAGATCGAATAGAACACTTGTCACTCTCATAAATTTCTCGGC[C>A]AGCTTTAAACCACTGGAACCGGACATTGGGAGCACTTTGGATCTCACAGGTGAATTTGGC-3'
Protein context (NP_001254479.2, residues 4727-4747): PNVRFQWFKA[Gly4737Cys]REIYESDKCS

ClinVar aggregate classification (germline): Uncertain significance (1 of 4 stars; one submission).

Conditions:
Cardiovascular phenotype. Identifiers: MedGen CN230736.

Allele frequency attached by ClinVar (database versions not stated): gnomAD exomes below 0.00001.
gnomAD v4.1: 1 of 1,613,584 alleles (0.000062%); highest among the groups gnomAD compares: Non-Finnish European, 0.000085%; no homozygotes.

Submission:

Ambry Genetics
Classification: Uncertain significance for Cardiovascular phenotype. Last evaluated: 2018-09-28. Review status: criteria provided, single submitter. Criteria: Ambry Variant Classification Scheme 2023. Collection method: clinical testing. Allele origin: germline.
Comment: The p.G4374C variant (also known as c.13120G>T), located in coding exon 45 of the TTN gene, results from a G to T substitution at nucleotide position 13120. The glycine at codon 4374 is replaced by cysteine, an amino acid with highly dissimilar properties. This amino acid position is highly conserved in available vertebrate species. In addition, the in silico prediction for this alteration is inconclusive. Since supporting evidence is limited at this time, the clinical significance of this alteration remains unclear.